The following is an entry in ClinVar:

ClinVar aggregate classification (germline): Uncertain significance (1 of 4 stars; one submission).

Conditions:
Autosomal dominant nonsyndromic hearing loss 1. Also called: KONIGSMARK SYNDROME; DEAFNESS, AUTOSOMAL DOMINANT 1, WITH OR WITHOUT THROMBOCYTOPENIA. Identifiers: Orphanet 90635, MedGen C1852282, MONDO:0007424, OMIM 124900.
Progressive microcephaly-seizures-cortical blindness-developmental delay syndrome. Also called: Seizures, cortical blindness, and microcephaly syndrome. Identifiers: Orphanet 477814, MedGen C5567650, MONDO:0014714, OMIM 616632.

Allele frequency attached by ClinVar (database versions not stated): gnomAD exomes below 0.00001; TOPMed below 0.00001.
gnomAD v4.1: 2 of 1,613,408 alleles (0.00012%); highest among the groups gnomAD compares: Admixed American, 0.0017%; no homozygotes.

Submission:

Labcorp Genetics (formerly Invitae), Labcorp
Classification: Uncertain significance for Progressive microcephaly-seizures-cortical blindness-developmental delay syndrome; Autosomal dominant nonsyndromic hearing loss 1. Last evaluated: 2025-09-08. Review status: criteria provided, single submitter. Criteria: Invitae Variant Classification Sherloc (09022015). Collection method: clinical testing. Allele origin: germline.
Comment: This sequence change falls in intron 24 of the DIAPH1 gene. It does not directly change the encoded amino acid sequence of the DIAPH1 protein. It affects a nucleotide within the consensus splice site. This variant is not present in population databases (gnomAD no frequency). This variant has not been reported in the literature in individuals affected with DIAPH1-related conditions. ClinVar contains an entry for this variant (Variation ID: 2114017). Variants that disrupt the consensus splice site are a relatively common cause of aberrant splicing (PMID: 17576681, 9536098). Algorithms developed to predict the effect of sequence changes on RNA splicing suggest that this variant may disrupt the consensus splice site. In summary, the available evidence is currently insufficient to determine the role of this variant in disease. Therefore, it has been classified as a Variant of Uncertain Significance.

Literature cited by the submitters: PubMed 17576681; PubMed 9536098.

NM_005219.5(DIAPH1):c.3273+5C>T

Gene: DIAPH1 (diaphanous related formin 1; minus strand). Cytogenetic location: 5q31.3.
Variant type: single nucleotide variant.
Coding change: c.3273+5C>T on transcript NM_005219.5 (MANE Select); 5 bases into the intron after coding-DNA position 3273, C replaced by T.
Molecular consequence: intron variant.
Genome position (GRCh38, 1-based): chr5:141,527,568, G>A on the plus strand (C>T on the coding strand, the complement: DIAPH1 is on the minus strand). VCF-style: chr5-141527568-G-A. GRCh37 (hg19) VCF-style: chr5-140907135-G-A.
Other names: c.3246+5C>T (NM_001079812.3); c.3273+5C>T (NM_001314007.2).
Identifiers: ClinVar variation 2114017 (VCV002114017.4), dbSNP rs2099887561, ClinGen allele CA1587239566.